The following is an entry in ClinVar:

ClinVar aggregate classification (germline): Pathogenic (1 of 4 stars; one submission).

Submission:

Labcorp Genetics (formerly Invitae), Labcorp
Classification: Pathogenic. Last evaluated: 2022-11-22. Review status: criteria provided, single submitter. Criteria: Invitae Variant Classification Sherloc (09022015). Collection method: clinical testing. Allele origin: germline.
Comment: This sequence change replaces lysine, which is basic and polar, with threonine, which is neutral and polar, at codon 122 of the TUBB2A protein (p.Lys122Thr). This variant is not present in population databases (gnomAD no frequency). This missense change has been observed in individual(s) with clinical features of TUBB2A-related conditions (Invitae). In at least one individual the variant was observed to be de novo. ClinVar contains an entry for this variant (Variation ID: 1386454). Advanced modeling of protein sequence and biophysical properties (such as structural, functional, and spatial information, amino acid conservation, physicochemical variation, residue mobility, and thermodynamic stability) performed at Invitae indicates that this missense variant is not expected to disrupt TUBB2A protein function. For these reasons, this variant has been classified as Pathogenic.

NM_001069.3(TUBB2A):c.365A>C (p.Lys122Thr)

Gene: TUBB2A (tubulin beta 2A class IIa; minus strand). Cytogenetic location: 6p25.2.
Variant type: single nucleotide variant.
Coding change: c.365A>C on transcript NM_001069.3 (MANE Select); coding-DNA position 365, A replaced by C.
Protein change: p.Lys122Thr; replaces lysine 122 with threonine.
Molecular consequence: missense variant.
Genome position (GRCh38, 1-based): chr6:3,154,836, T>G on the plus strand (A>C on the coding strand, the complement: TUBB2A is on the minus strand). VCF-style: chr6-3154836-T-G. GRCh37 (hg19) VCF-style: chr6-3155070-T-G.
Other names: c.110A>C, p.Lys37Thr (NM_001310315.2); short protein forms K122T, K37T.
Identifiers: ClinVar variation 1386454 (VCV001386454.6), dbSNP rs1762604801, ClinGen allele CA362592908.